The following is an entry in ClinVar:

NM_022772.4(EPS8L2):c.*449G>A

Gene: EPS8L2 (EPS8 signaling adaptor L2; plus strand). Cytogenetic location: 11p15.5.
Variant type: single nucleotide variant.
Coding change: c.*449G>A on transcript NM_022772.4 (MANE Select); 449 bases downstream of the stop codon, G replaced by A.
Molecular consequence: 3 prime UTR variant.
Genome position (GRCh38, 1-based): chr11:727,430, G>A. VCF-style: chr11-727430-G-A. GRCh37 (hg19) VCF-style: chr11-727430-G-A.
Identifiers: ClinVar variation 3026068 (VCV003026068.23), dbSNP rs530722654, ClinGen allele CA216943411.
Genomic context (GRCh38, chr11:727,430, plus strand): 5'-TCCAGGCTGGCCAGGCTGAACCTCGCACACACGCAGAGTTCTGCTCCCTGAGGGGGGCCC[G>A]GGAGGGGCTCCAGCAGGAGGCCGTGGGTGCCATTCGGGGGAAAGTGGGGGAACGACACAC-3'

ClinVar aggregate classification (germline): Likely benign. Review status: criteria provided, multiple submitters, no conflicts (2 of 4 stars). 2 submissions from 2 submitters: Likely benign (2). Last evaluated 2024-01-01.

Allele frequency attached by ClinVar (database versions not stated): 1000 Genomes Project 30x 0.00031; TOPMed 0.00067; gnomAD exomes 0.00078.
gnomAD v4.1: 100 of 154,942 alleles (0.065%); highest among the groups gnomAD compares: Middle Eastern, 0.34%; no homozygotes.

Submissions (2):

CeGaT Center for Human Genetics Tuebingen
Classification: Likely benign. Last evaluated: 2024-01-01. Review status: criteria provided, single submitter. Criteria: CeGaT Center For Human Genetics Tuebingen Variant Classification Criteria Version 2. Collection method: clinical testing. Allele origin: germline. Affected: yes. Observed: 1 variant allele.
Comment: EPS8L2: BS1

Breakthrough Genomics
Classification: Likely benign. Review status: criteria provided, single submitter. Criteria: ACMG Guidelines, 2015. Collection method: not provided. Allele origin: germline. Inheritance: Autosomal recessive inheritance. Affected: yes.